The following is an entry in ClinVar:

NM_001372078.1(REV3L):c.3505C>T (p.Arg1169Cys)

Gene: REV3L (REV3 like, DNA directed polymerase zeta catalytic subunit; minus strand). Cytogenetic location: 6q21.
Variant type: single nucleotide variant.
Coding change: c.3505C>T on transcript NM_001372078.1 (MANE Select); coding-DNA position 3505, C replaced by T.
Protein change: p.Arg1169Cys; replaces arginine 1169 with cysteine.
Molecular consequence: missense variant.
Genome position (GRCh38, 1-based): chr6:111,374,850, G>A on the plus strand (C>T on the coding strand, the complement: REV3L is on the minus strand). VCF-style: chr6-111374850-G-A. GRCh37 (hg19) VCF-style: chr6-111696053-G-A.
Other names: c.3271C>T, p.Arg1091Cys (NM_001286431.2, NM_001286432.2); c.3505C>T, p.Arg1169Cys (NM_002912.5); short protein forms R1091C, R1169C.
Identifiers: ClinVar variation 2656853 (VCV002656853.24), dbSNP rs373898235, ClinGen allele CA3962186.

ClinVar aggregate classification (germline): Likely benign (1 of 4 stars; one submission).

Allele frequency attached by ClinVar (database versions not stated): ExAC 0.00007; TOPMed 0.00012; ESP Exome Variant Server 0.00015; gnomAD 0.00015.
gnomAD v4.1: 125 of 1,613,636 alleles (0.0077%); highest among the groups gnomAD compares: Middle Eastern, 0.016%; no homozygotes.

Submission:

CeGaT Center for Human Genetics Tuebingen
Classification: Likely benign. Last evaluated: 2025-09-01. Review status: criteria provided, single submitter. Criteria: CeGaT Center For Human Genetics Tuebingen Variant Classification Criteria Version 2. Collection method: clinical testing. Allele origin: germline. Affected: yes. Observed: 2 variant alleles.
Comment: REV3L: BP4, BS1